The following is an entry in ClinVar:

ClinVar aggregate classification (germline): Benign/Likely benign. Review status: criteria provided, multiple submitters, no conflicts (2 of 4 stars). 8 submissions from 8 submitters: Benign (3); Likely benign (3). 2 of the submissions do not count toward it. Last evaluated 2026-02-04.

Conditions:
Age related macular degeneration 14. Also called: MACULAR DEGENERATION, AGE-RELATED, 14, REDUCED RISK OF. Identifiers: MedGen C3809653, MONDO:0014207, OMIM 615489.

Allele frequency attached by ClinVar (database versions not stated): 1000 Genomes Project 0.01018; 1000 Genomes Project 30x 0.01140; gnomAD exomes 0.01410 and 0.01759; ESP Exome Variant Server 0.01481; gnomAD 0.01502 and 0.01554; ExAC 0.01529; TOPMed 0.01908.
gnomAD v4.1: 23,391 of 1,613,042 alleles (1.5%); highest among the groups gnomAD compares: Admixed American, 3.8%; 393 homozygotes.

Submissions (8):

Labcorp Genetics (formerly Invitae), Labcorp
Classification: Benign. Last evaluated: 2026-02-04. Review status: criteria provided, single submitter. Criteria: Invitae Variant Classification Sherloc (09022015). Collection method: clinical testing. Allele origin: germline.

Women's Health and Genetics/Laboratory Corporation of America, LabCorp
Classification: Likely benign. Last evaluated: 2026-01-21. Review status: criteria provided, single submitter. Criteria: LabCorp Variant Classification Summary - May 2015. Collection method: clinical testing. Allele origin: germline.

Blueprint Genetics
Classification: Likely benign. Last evaluated: 2024-11-26. Review status: criteria provided, single submitter. Criteria: ACMG Guidelines, 2015. Collection method: clinical testing. Allele origin: germline.

Mayo Clinic Laboratories, Mayo Clinic
Classification: Benign. Last evaluated: 2022-09-06. Review status: criteria provided, single submitter. Criteria: ACMG Guidelines, 2015. Collection method: clinical testing. Allele origin: germline. Observed: 20 variant alleles.

Illumina Laboratory Services, Illumina
Classification: Benign for Age related macular degeneration 14. Last evaluated: 2018-01-12. Review status: criteria provided, single submitter. Criteria: ICSL Variant Classification Criteria 13 December 2019. Collection method: clinical testing. Allele origin: germline.
Comment: This variant was observed in the ICSL laboratory as part of a predisposition screen in an ostensibly healthy population. It had not been previously curated by ICSL or reported in the Human Gene Mutation Database (HGMD: prior to June 1st, 2018), and was therefore a candidate for classification through an automated scoring system. Utilizing variant allele frequency, disease prevalence and penetrance estimates, and inheritance mode, an automated score was calculated to assess if this variant is too frequent to cause the disease. Based on the score and internal cut-off values, a variant classified as benign is not then subjected to further curation. The score for this variant resulted in a classification of benign for this disease.

Breakthrough Genomics
Classification: Likely benign. Review status: criteria provided, single submitter. Criteria: ACMG Guidelines, 2015. Collection method: not provided. Allele origin: germline. Inheritance: Autosomal recessive inheritance. Affected: yes.

Genome Diagnostics Laboratory, University Medical Center Utrecht
Classification: Benign. Review status: no assertion criteria provided. Collection method: clinical testing. Allele origin: germline. Affected: yes. Study: VKGL Data-share Consensus. Not counted in ClinVar's aggregate classification.

Joint Genome Diagnostic Labs from Nijmegen and Maastricht, Radboudumc and MUMC+
Classification: Benign. Review status: no assertion criteria provided. Collection method: clinical testing. Allele origin: germline. Affected: yes. Study: VKGL Data-share Consensus. Not counted in ClinVar's aggregate classification.

NM_000063.6(C2):c.1922T>C (p.Val641Ala)

Gene: C2 (complement C2; plus strand). Cytogenetic location: 6p21.33.
Variant type: single nucleotide variant.
Coding change: c.1922T>C on transcript NM_000063.6 (MANE Select); coding-DNA position 1922, T replaced by C.
Protein change: p.Val641Ala; replaces valine 641 with alanine.
Molecular consequence: missense variant.
Genome position (GRCh38, 1-based): chr6:31,944,746, T>C. VCF-style: chr6-31944746-T-C. GRCh37 (hg19) VCF-style: chr6-31912523-T-C.
Other names: p.Val641Ala; c.1526T>C, p.Val509Ala (NM_001145903.3); c.1280T>C, p.Val427Ala (NM_001178063.3); c.1184T>C, p.Val395Ala (NM_001282457.2); c.1835T>C, p.Val612Ala (NM_001282458.2); short protein forms V641A, V509A, V395A, V612A, V427A.
Identifiers: ClinVar variation 356257 (VCV000356257.21), dbSNP rs36221133, ClinGen allele CA3727836.